The following is an entry in ClinVar:

ClinVar aggregate classification (germline): Likely benign (1 of 4 stars; one submission).

Submission:

CeGaT Center for Human Genetics Tuebingen
Classification: Likely benign. Last evaluated: 2023-08-01. Review status: criteria provided, single submitter. Criteria: CeGaT Center For Human Genetics Tuebingen Variant Classification Criteria Version 2. Collection method: clinical testing. Allele origin: germline. Affected: yes. Observed: 2 variant alleles.
Comment: MUC2: BP4, BP7

NM_002457.5(MUC2):c.4347A>C (p.Pro1449=)

Gene: MUC2 (mucin 2, oligomeric mucus/gel-forming; plus strand). Cytogenetic location: 11p15.5.
Variant type: single nucleotide variant.
Coding change: c.4347A>C on transcript NM_002457.5 (MANE Select); coding-DNA position 4347, A replaced by C.
Protein change: p.Pro1449=; no amino-acid change (proline 1449 retained).
Molecular consequence: synonymous variant.
Genome position (GRCh38, 1-based): chr11:1,094,590, A>C. VCF-style: chr11-1094590-A-C. GRCh37 (hg19) VCF-style: chr11-1092528-A-C.
Identifiers: ClinVar variation 2641129 (VCV002641129.24), dbSNP rs796893867, ClinGen allele CA216996691.